The following is an entry in ClinVar:

NM_001365951.3(KIF1B):c.4298C>A (p.Pro1433Gln)

Gene: KIF1B (kinesin family member 1B; plus strand). Cytogenetic location: 1p36.22.
Variant type: single nucleotide variant.
Coding change: c.4298C>A on transcript NM_001365951.3 (MANE Select); coding-DNA position 4298, C replaced by A.
Protein change: p.Pro1433Gln; replaces proline 1433 with glutamine.
Molecular consequence: missense variant.
Genome position (GRCh38, 1-based): chr1:10,361,819, C>A. VCF-style: chr1-10361819-C-A. GRCh37 (hg19) VCF-style: chr1-10421877-C-A.
Other names: c.4298C>A, p.Pro1433Gln (NM_001365952.1); c.4160C>A, p.Pro1387Gln (NM_015074.3); short protein forms P1387Q, P1433Q.
Identifiers: ClinVar variation 3533967 (VCV003533967.1).

ClinVar aggregate classification (germline): Uncertain significance (1 of 4 stars; one submission).

Submission:

Ambry Genetics
Classification: Uncertain significance. Last evaluated: 2024-08-08. Review status: criteria provided, single submitter. Criteria: Ambry Variant Classification Scheme 2023. Collection method: clinical testing. Allele origin: germline.
Comment: The p.P1387Q variant (also known as c.4160C>A), located in coding exon 37 of the KIF1B gene, results from a C to A substitution at nucleotide position 4160. The proline at codon 1387 is replaced by glutamine, an amino acid with similar properties. This amino acid position is conserved. In addition, this alteration is predicted to be deleterious by in silico analysis. The evidence for this gene-disease relationship is limited; therefore, the clinical significance of this alteration is unclear.